The following is an entry in ClinVar:

ClinVar aggregate classification (germline): Pathogenic (1 of 4 stars; one submission).

Conditions:
Neurofibromatosis, type 1 (NF1). Also called: VON RECKLINGHAUSEN DISEASE; Neurofibromatosis, type I; NEUROFIBROMATOSIS, TYPE I, SOMATIC; Peripheral type neurofibromatosis. Identifiers: Orphanet 636, MedGen C0027831, MONDO:0018975, OMIM 162200. Disease mechanism: loss of function.

Submission:

Labcorp Genetics (formerly Invitae), Labcorp
Classification: Pathogenic for Neurofibromatosis, type 1. Last evaluated: 2023-10-04. Review status: criteria provided, single submitter. Criteria: Invitae Variant Classification Sherloc (09022015). Collection method: clinical testing. Allele origin: germline.
Comment: This sequence change creates a premature translational stop signal (p.Tyr2264Glnfs*21) in the NF1 gene. It is expected to result in an absent or disrupted protein product. Loss-of-function variants in NF1 are known to be pathogenic (PMID: 10712197, 23913538). This variant is not present in population databases (gnomAD no frequency). This variant has not been reported in the literature in individuals affected with NF1-related conditions. For these reasons, this variant has been classified as Pathogenic.

Literature cited by the submitters: PubMed 10712197; PubMed 23913538.

NM_001042492.3(NF1):c.6852_6853del (p.Tyr2285fs)

Gene: NF1 (neurofibromin 1; plus strand). Cytogenetic location: 17q11.2.
Variant type: Deletion.
Coding change: c.6852_6853del on transcript NM_001042492.3 (MANE Select); coding-DNA positions 6852 to 6853, 2 bases deleted (TT; older notation c.6852_6853delTT).
Protein change: p.Tyr2285fs; shifts the reading frame from tyrosine 2285.
Molecular consequence: frameshift variant.
Genome position (GRCh38, 1-based): chr17:31,338,736-31,338,737, TT deleted. VCF-style (leftmost placement, unchanged base first): chr17-31338735-CTT-C. GRCh37 (hg19) VCF-style: chr17-29665753-CTT-C.
Other names: c.6789_6790delTT, p.Tyr2264Glnfs (NM_000267.4); short protein forms Y2264fs, Y2285fs.
Identifiers: ClinVar variation 2765038 (VCV002765038.3), dbSNP rs2508762628, ClinGen allele CA2697559623.